The following is an entry in ClinVar:

NM_015295.3(SMCHD1):c.3769C>T (p.Leu1257Phe)

Gene: SMCHD1 (structural maintenance of chromosomes flexible hinge domain containing 1; plus strand). Cytogenetic location: 18p11.32.
Variant type: single nucleotide variant.
Coding change: c.3769C>T on transcript NM_015295.3 (MANE Select); coding-DNA position 3769, C replaced by T.
Protein change: p.Leu1257Phe; replaces leucine 1257 with phenylalanine.
Molecular consequence: missense variant.
Genome position (GRCh38, 1-based): chr18:2,743,896, C>T. VCF-style: chr18-2743896-C-T. GRCh37 (hg19) VCF-style: chr18-2743894-C-T.
Other names: p.Leu1257Phe; c.3769C>T (NM_015295.2); short protein forms L1257F.
Identifiers: ClinVar variation 285654 (VCV000285654.9), dbSNP rs766226383, ClinGen allele CA8871292.

ClinVar aggregate classification (germline): Uncertain significance. Review status: criteria provided, multiple submitters, no conflicts (2 of 4 stars). 3 submissions from 3 submitters: Uncertain significance (3). Last evaluated 2025-05-26.

Conditions:
Facioscapulohumeral muscular dystrophy 2 (FSHD2). Also called: FACIOSCAPULOHUMERAL MUSCULAR DYSTROPHY 2, DIGENIC; FSHD2, DIGENIC; MUSCULAR DYSTROPHY, FACIOSCAPULOHUMERAL, TYPE 1B. Identifiers: Orphanet 269, MedGen C1834671, MONDO:0008031, OMIM 158901.

Allele frequency attached by ClinVar (database versions not stated): ExAC 0.00002; gnomAD exomes 0.00002 and 0.00005; TOPMed 0.00003; gnomAD 0.00005.
gnomAD v4.1: 75 of 1,612,924 alleles (0.0046%); highest among the groups gnomAD compares: Non-Finnish European, 0.0059%; no homozygotes.

Submissions (3):

Labcorp Genetics (formerly Invitae), Labcorp
Classification: Uncertain significance for Facioscapulohumeral muscular dystrophy 2. Last evaluated: 2025-05-26. Review status: criteria provided, single submitter. Criteria: Invitae Variant Classification Sherloc (09022015). Collection method: clinical testing. Allele origin: germline.
Comment: This sequence change replaces leucine, which is neutral and non-polar, with phenylalanine, which is neutral and non-polar, at codon 1257 of the SMCHD1 protein (p.Leu1257Phe). This variant is present in population databases (rs766226383, gnomAD 0.009%). This variant has not been reported in the literature in individuals affected with SMCHD1-related conditions. ClinVar contains an entry for this variant (Variation ID: 285654). Invitae Evidence Modeling of protein sequence and biophysical properties (such as structural, functional, and spatial information, amino acid conservation, physicochemical variation, residue mobility, and thermodynamic stability) has been performed for this missense variant. However, the output from this modeling did not meet the statistical confidence thresholds required to predict the impact of this variant on SMCHD1 protein function. In summary, the available evidence is currently insufficient to determine the role of this variant in disease. Therefore, it has been classified as a Variant of Uncertain Significance.

Mayo Clinic Laboratories, Mayo Clinic
Classification: Uncertain significance. Last evaluated: 2022-06-24. Review status: criteria provided, single submitter. Criteria: ACMG Guidelines, 2015. Collection method: clinical testing. Allele origin: germline. Observed: 1 variant allele.
Comment: BP4

Eurofins Ntd Llc (ga)
Classification: Uncertain significance. Last evaluated: 2016-01-08. Review status: criteria provided, single submitter. Criteria: EGL Classification Definitions 2015. Collection method: clinical testing. Allele origin: germline. Observed: 1 variant allele, 1 heterozygote.